The following is an entry in ClinVar:

NM_005333.5(HCCS):c.521C>T (p.Ala174Val)

Gene: HCCS (holocytochrome c synthase; plus strand). Cytogenetic location: Xp22.2.
Variant type: single nucleotide variant.
Coding change: c.521C>T on transcript NM_005333.5 (MANE Select); coding-DNA position 521, C replaced by T.
Protein change: p.Ala174Val; replaces alanine 174 with valine.
Molecular consequence: missense variant.
Genome position (GRCh38, 1-based): chrX:11,118,620, C>T. VCF-style: chrX-11118620-C-T. GRCh37 (hg19) VCF-style: chrX-11136740-C-T.
Other names: c.521C>T, p.Ala174Val (NM_001122608.3, NM_001171991.3); short protein forms A174V.
Identifiers: ClinVar variation 95275 (VCV000095275.13), dbSNP rs367601527, ClinGen allele CA222860.

ClinVar aggregate classification (germline): Conflicting classifications of pathogenicity. Review status: criteria provided, conflicting classifications (1 of 4 stars). 3 submissions from 3 submitters: Uncertain significance (1); Benign (1). 1 of the submissions does not count toward it. Last evaluated 2025-07-09.

Conditions:
HCCS-related disorder. Also called: HCCS-related condition.

Allele frequency attached by ClinVar (database versions not stated): gnomAD exomes 0.00009 and 0.00013; gnomAD 0.00032 and 0.00035; TOPMed 0.00036; ESP Exome Variant Server 0.00009; ExAC 0.00010.
gnomAD v4.1: 186 of 1,204,899 alleles (0.015%); highest among the groups gnomAD compares: African/African-American, 0.079%; 1 homozygote.

Submissions (3):

Labcorp Genetics (formerly Invitae), Labcorp
Classification: Benign. Last evaluated: 2025-07-09. Review status: criteria provided, single submitter. Criteria: Invitae Variant Classification Sherloc (09022015). Collection method: clinical testing. Allele origin: germline.

Eurofins Ntd Llc (ga)
Classification: Uncertain significance. Last evaluated: 2015-02-24. Review status: criteria provided, single submitter. Criteria: EGL Classification Definitions 2015. Collection method: clinical testing. Allele origin: germline. Observed: 2 variant alleles, 1 heterozygote, 1 hemizygote.

PreventionGenetics, part of Exact Sciences
Classification: Likely benign for HCCS-related condition. Last evaluated: 2022-05-25. Review status: no assertion criteria provided. Collection method: clinical testing. Allele origin: germline. Not counted in ClinVar's aggregate classification.
Comment: This variant is classified as likely benign based on ACMG/AMP sequence variant interpretation guidelines (Richards et al. 2015 PMID: 25741868, with internal and published modifications).

Literature cited by the submitters: PubMed 23596069 (cited by Eurofins Ntd Llc (ga)).